The following is an entry in ClinVar:

ClinVar aggregate classification (germline): Uncertain significance. Review status: criteria provided, multiple submitters, no conflicts (2 of 4 stars). 2 submissions from 2 submitters: Uncertain significance (2). Last evaluated 2020-01-11.

Conditions:
Hereditary nonpolyposis colorectal neoplasms. Identifiers: MedGen C0009405, MeSH D003123.
Hereditary cancer-predisposing syndrome. Also called: Hereditary neoplastic syndrome; Tumor predisposition; Neoplastic Syndromes, Hereditary; Hereditary Cancer Syndrome. Identifiers: Orphanet 140162, MedGen C0027672, MeSH D009386, MONDO:0015356.

gnomAD v4.1: 1 of 1,614,030 alleles (0.000062%); highest among the groups gnomAD compares: Non-Finnish European, 0.000085%; no homozygotes.

Submissions (2):

Labcorp Genetics (formerly Invitae), Labcorp
Classification: Uncertain significance for Hereditary nonpolyposis colorectal neoplasms. Last evaluated: 2020-01-11. Review status: criteria provided, single submitter. Criteria: Invitae Variant Classification Sherloc (09022015). Collection method: clinical testing. Allele origin: germline.
Comment: Algorithms developed to predict the effect of missense changes on protein structure and function do not agree on the potential impact of this missense change (SIFT: "Deleterious"; PolyPhen-2: "Possibly Damaging"; Align-GVGD: "Class C0"). This variant has not been reported in the literature in individuals with MSH6-related disease. This variant is not present in population databases (ExAC no frequency). This sequence change replaces isoleucine with methionine at codon 805 of the MSH6 protein (p.Ile805Met). The isoleucine residue is weakly conserved and there is a small physicochemical difference between isoleucine and methionine. In summary, the available evidence is currently insufficient to determine the role of this variant in disease. Therefore, it has been classified as a Variant of Uncertain Significance.

Ambry Genetics
Classification: Uncertain significance for Hereditary cancer-predisposing syndrome. Last evaluated: 2015-10-03. Review status: criteria provided, single submitter. Criteria: Ambry Variant Classification Scheme 2023. Collection method: clinical testing. Allele origin: germline.
Comment: The p.I805M variant (also known as c.2415C>G), located in coding exon 4 of the MSH6 gene, results from a C to G substitution at nucleotide position 2415. The isoleucine at codon 805 is replaced by methionine, an amino acid with highly similar properties. This variant was not reported in population based cohorts in the following databases: Database of Single Nucleotide Polymorphisms (dbSNP), NHLBI Exome Sequencing Project (ESP), and 1000 Genomes Project. In the ESP, this variant was not observed in 6503 samples (13006 alleles) with coverage at this position. To date, this alteration has been detected with an allele frequency of approximately 0.002% (greater than 65000 alleles tested) in our clinical cohort. This amino acid position is poorly conserved in available vertebrate species. In addition, this alteration is predicted to be tolerated by in silico analysis. In addition, the CoDP in silico tool predicts this alteration to have minor impact on molecular function, with a score of 0.006 (Terui H et al. J. Biomed. Sci. 2013;20:25). Since supporting evidence is limited at this time, the clinical significance of p.I805M remains unclear.

NM_000179.3(MSH6):c.2415C>G (p.Ile805Met)

Gene: MSH6 (mutS homolog 6; plus strand). Cytogenetic location: 2p16.3.
Variant type: single nucleotide variant.
Coding change: c.2415C>G on transcript NM_000179.3 (MANE Select); coding-DNA position 2415, C replaced by G.
Protein change: p.Ile805Met; replaces isoleucine 805 with methionine.
Molecular consequence: missense variant.
Genome position (GRCh38, 1-based): chr2:47,800,398, C>G. VCF-style: chr2-47800398-C-G. GRCh37 (hg19) VCF-style: chr2-48027537-C-G.
Other names: c.2025C>G, p.Ile675Met (NM_001281492.2); c.1509C>G, p.Ile503Met (NM_001281493.2, NM_001281494.2); short protein forms I805M, I503M, I675M.
Identifiers: ClinVar variation 571392 (VCV000571392.13), dbSNP rs1219649543, ClinGen allele CA346753997.